The following is an entry in ClinVar:

NM_000489.6(ATRX):c.6134T>C (p.Ile2045Thr)

Gene: ATRX (ATRX chromatin remodeler; minus strand). Cytogenetic location: Xq21.1.
Variant type: single nucleotide variant.
Coding change: c.6134T>C on transcript NM_000489.6 (MANE Select); coding-DNA position 6134, T replaced by C.
Protein change: p.Ile2045Thr; replaces isoleucine 2045 with threonine.
Molecular consequence: missense variant.
Genome position (GRCh38, 1-based): chrX:77,589,917, A>G on the plus strand (T>C on the coding strand, the complement: ATRX is on the minus strand). VCF-style: chrX-77589917-A-G. GRCh37 (hg19) VCF-style: chrX-76845387-A-G.
Other names: c.6020T>C, p.Ile2007Thr (NM_138270.5); short protein forms I2007T, I2045T.
Identifiers: ClinVar variation 3901520 (VCV003901520.1).

ClinVar aggregate classification (germline): Uncertain significance (1 of 4 stars; one submission).

Submission:

GeneDx
Classification: Uncertain significance. Last evaluated: 2024-12-06. Review status: criteria provided, single submitter. Criteria: GeneDx Variant Classification Process June 2021. Collection method: clinical testing. Allele origin: germline. Affected: yes.
Comment: Not observed at significant frequency in large population cohorts (gnomAD); In silico analysis supports that this missense variant has a deleterious effect on protein structure/function; Has not been previously published as pathogenic or benign to our knowledge